The following is an entry in ClinVar:

ClinVar aggregate classification (germline): Uncertain significance. Review status: criteria provided, multiple submitters, no conflicts (2 of 4 stars). 2 submissions from 2 submitters: Uncertain significance (2). Last evaluated 2025-02-08.

Conditions:
Immunodeficiency 39 (IMD39). Identifiers: Orphanet 574918, MedGen C4225358, MONDO:0014597, OMIM 616345.

gnomAD v4.1: 6 of 1,612,034 alleles (0.00037%); highest among the groups gnomAD compares: African/African-American, 0.0013%; no homozygotes.

Submissions (2):

Labcorp Genetics (formerly Invitae), Labcorp
Classification: Uncertain significance for Immunodeficiency 39. Last evaluated: 2025-02-08. Review status: criteria provided, single submitter. Criteria: Invitae Variant Classification Sherloc (09022015). Collection method: clinical testing. Allele origin: germline.
Comment: This sequence change replaces glutamine, which is neutral and polar, with glutamic acid, which is acidic and polar, at codon 479 of the IRF7 protein (p.Gln479Glu). This variant is present in population databases (no rsID available, gnomAD 0.007%). This variant has not been reported in the literature in individuals affected with IRF7-related conditions. ClinVar contains an entry for this variant (Variation ID: 3286539). Invitae Evidence Modeling of protein sequence and biophysical properties (such as structural, functional, and spatial information, amino acid conservation, physicochemical variation, residue mobility, and thermodynamic stability) has been performed for this missense variant. However, the output from this modeling did not meet the statistical confidence thresholds required to predict the impact of this variant on IRF7 protein function. In summary, the available evidence is currently insufficient to determine the role of this variant in disease. Therefore, it has been classified as a Variant of Uncertain Significance.

Ambry Genetics
Classification: Uncertain significance. Last evaluated: 2024-05-30. Review status: criteria provided, single submitter. Criteria: Ambry Variant Classification Scheme 2023. Collection method: clinical testing. Allele origin: germline.

NM_001572.5(IRF7):c.1396C>G (p.Gln466Glu)

Gene: IRF7 (interferon regulatory factor 7; minus strand). Cytogenetic location: 11p15.5.
Variant type: single nucleotide variant.
Coding change: c.1396C>G on transcript NM_001572.5 (MANE Select); coding-DNA position 1396, C replaced by G.
Protein change: p.Gln466Glu; replaces glutamine 466 with glutamic acid.
Molecular consequence: missense variant.
Genome position (GRCh38, 1-based): chr11:612,761, G>C on the plus strand (C>G on the coding strand, the complement: IRF7 is on the minus strand). VCF-style: chr11-612761-G-C. GRCh37 (hg19) VCF-style: chr11-612761-G-C.
Other names: c.1309C>G, p.Gln437Glu (NM_004029.4); c.1435C>G, p.Gln479Glu (NM_004031.4); short protein forms Q479E, Q437E, Q466E.
Identifiers: ClinVar variation 3286539 (VCV003286539.2).